The following is an entry in ClinVar:

NM_003482.4(KMT2D):c.12782_12784del (p.Pro4261del)

Gene: KMT2D (lysine methyltransferase 2D; minus strand). Cytogenetic location: 12q13.12.
Variant type: Deletion.
Coding change: c.12782_12784del on transcript NM_003482.4 (MANE Select); coding-DNA positions 12782 to 12784, 3 bases deleted (CTC; older notation c.12782_12784delCTC).
Protein change: p.Pro4261del; deletes proline 4261.
Molecular consequence: inframe deletion.
Genome position (GRCh38, 1-based): chr12:49,031,921-49,031,923, GAG deleted on the plus strand (CTC on the coding strand, the reverse complement: KMT2D is on the minus strand); deleting any 3 consecutive bases within chr12:49,031,921-49,031,924 gives the same sequence; the c. name uses the placement nearest the transcript's 3' end. VCF-style (leftmost placement, unchanged base first): chr12-49031920-TGAG-T. GRCh37 (hg19) VCF-style: chr12-49425703-TGAG-T.
Other names: short protein forms P4261del.
Identifiers: ClinVar variation 1373525 (VCV001373525.6), dbSNP rs2120426437, ClinGen allele CA2573148697.
Genomic context (GRCh38, chr12:49,031,920, plus strand): 5'-CGAGGCCCTGCCCCTAGCTCCTGGAGGGGGCCTGTCTGTGGTCCAGGGAAGCCCCCAAGT[TGAG>T]GTTGGCAGCCCAGGAGGCCCTGGAGGGGAGAGGTCTGGGTCCCAGGCTCCTGGTAGGGTG-3'

ClinVar aggregate classification (germline): Uncertain significance (1 of 4 stars; one submission).

Conditions:
Kabuki syndrome. Also called: Kabuki make-up syndrome; NIIKAWA-KUROKI SYNDROME. Identifiers: Orphanet 2322, MedGen C0796004, MONDO:0016512.

Submission:

Labcorp Genetics (formerly Invitae), Labcorp
Classification: Uncertain significance for Kabuki syndrome. Last evaluated: 2021-08-08. Review status: criteria provided, single submitter. Criteria: Invitae Variant Classification Sherloc (09022015). Collection method: clinical testing. Allele origin: germline.
Comment: Experimental studies and prediction algorithms are not available or were not evaluated, and the functional significance of this variant is currently unknown. In summary, the available evidence is currently insufficient to determine the role of this variant in disease. Therefore, it has been classified as a Variant of Uncertain Significance. This variant has not been reported in the literature in individuals affected with KMT2D-related conditions. This variant is not present in population databases (ExAC no frequency). This variant, c.12782_12784del, results in the deletion of 1 amino acid(s) of the KMT2D protein (p.Pro4261del), but otherwise preserves the integrity of the reading frame.